The following is an entry in ClinVar:

ClinVar aggregate classification (germline): Likely benign. Review status: criteria provided, multiple submitters, no conflicts (2 of 4 stars). 3 submissions from 3 submitters: Likely benign (3). Last evaluated 2026-02-01.

Conditions:
Brain small vessel disease 2A, autosomal dominant. Also called: Porencephaly 2. Identifiers: Orphanet 2940, Orphanet 99810, MedGen C3280970, MONDO:0013773, OMIM 614483.

Allele frequency attached by ClinVar (database versions not stated): ExAC 0.00005; gnomAD exomes 0.00005; TOPMed 0.00007; gnomAD 0.00009; 1000 Genomes Project 0.00020; 1000 Genomes Project 30x 0.00031.
gnomAD v4.1: 130 of 1,614,250 alleles (0.0081%); highest among the groups gnomAD compares: Non-Finnish European, 0.01%; no homozygotes.

Submissions (3):

Labcorp Genetics (formerly Invitae), Labcorp
Classification: Likely benign. Last evaluated: 2026-02-01. Review status: criteria provided, single submitter. Criteria: Invitae Variant Classification Sherloc (09022015). Collection method: clinical testing. Allele origin: germline.

Illumina Laboratory Services, Illumina
Classification: Likely benign for Brain small vessel disease 2A, autosomal dominant. Last evaluated: 2018-01-12. Review status: criteria provided, single submitter. Criteria: ICSL Variant Classification Criteria 13 December 2019. Collection method: clinical testing. Allele origin: germline.
Comment: This variant was observed in the ICSL laboratory as part of a predisposition screen in an ostensibly healthy population. It had not been previously curated by ICSL or reported in the Human Gene Mutation Database (HGMD: prior to June 1st, 2018), and was therefore a candidate for classification through an automated scoring system. Utilizing variant allele frequency, disease prevalence and penetrance estimates, and inheritance mode, an automated score was calculated to assess if this variant is too frequent to cause the disease. Based on the score and internal cut-off values, a variant classified as likely benign is not then subjected to further curation. The score for this variant resulted in a classification of likely benign for this disease.

Breakthrough Genomics
Classification: Likely benign. Review status: criteria provided, single submitter. Criteria: ACMG Guidelines, 2015. Collection method: not provided. Allele origin: germline. Inheritance: Autosomal dominant inheritance. Affected: yes.

NM_001846.4(COL4A2):c.4731C>T (p.Pro1577=)

Genes: COL4A2 (collagen type IV alpha 2 chain; plus strand), COL4A2-AS1 (COL4A2 antisense RNA 1; minus strand). Cytogenetic location: 13q34.
Variant type: single nucleotide variant.
Coding change: c.4731C>T on transcript NM_001846.4 (MANE Select); coding-DNA position 4731, C replaced by T.
Protein change: p.Pro1577=; no amino-acid change (proline 1577 retained).
Molecular consequence: synonymous variant.
Genome position (GRCh38, 1-based): chr13:110,508,071, C>T. VCF-style: chr13-110508071-C-T. GRCh37 (hg19) VCF-style: chr13-111160418-C-T.
Identifiers: ClinVar variation 311185 (VCV000311185.9), dbSNP rs72659607, ClinGen allele CA7050636.